The following is an entry in ClinVar:

NM_000051.4(ATM):c.2257A>T (p.Met753Leu)

Gene: ATM (ATM serine/threonine kinase; plus strand). Cytogenetic location: 11q22.3.
Variant type: single nucleotide variant.
Coding change: c.2257A>T on transcript NM_000051.4 (MANE Select); coding-DNA position 2257, A replaced by T.
Protein change: p.Met753Leu; replaces methionine 753 with leucine.
Molecular consequence: missense variant.
Genome position (GRCh38, 1-based): chr11:108,257,487, A>T. VCF-style: chr11-108257487-A-T. GRCh37 (hg19) VCF-style: chr11-108128214-A-T.
Other names: c.2257A>T, p.Met753Leu (NM_001351834.2); short protein forms M753L.
Identifiers: ClinVar variation 2810861 (VCV002810861.3), dbSNP rs2135405724, ClinGen allele CA382539533.

ClinVar aggregate classification (germline): Uncertain significance (1 of 4 stars; one submission).

Conditions:
Ataxia-telangiectasia syndrome (AT). Also called: Ataxia-telangiectasia, complementation group E; ATAXIA-TELANGIECTASIA, COMPLEMENTATION GROUP A; ATAXIA-TELANGIECTASIA, FRESNO VARIANT; Ataxia-telangiectasia; LOUIS-BAR SYNDROME; Ataxia-telangiectasia, complementation group D. Identifiers: Orphanet 100, MedGen C0004135, MONDO:0008840, OMIM 208900.

Submission:

Labcorp Genetics (formerly Invitae), Labcorp
Classification: Uncertain significance for Ataxia-telangiectasia syndrome. Last evaluated: 2022-10-30. Review status: criteria provided, single submitter. Criteria: Invitae Variant Classification Sherloc (09022015). Collection method: clinical testing. Allele origin: germline.
Comment: In summary, the available evidence is currently insufficient to determine the role of this variant in disease. Therefore, it has been classified as a Variant of Uncertain Significance. Studies have shown that this missense change results in activation of a cryptic splice site and introduces a premature termination codon (Invitae). The resulting mRNA is expected to undergo nonsense-mediated decay. Algorithms developed to predict the effect of missense changes on protein structure and function (SIFT, PolyPhen-2, Align-GVGD) all suggest that this variant is likely to be tolerated. This variant has not been reported in the literature in individuals affected with ATM-related conditions. This variant is not present in population databases (gnomAD no frequency). This sequence change replaces methionine, which is neutral and non-polar, with leucine, which is neutral and non-polar, at codon 753 of the ATM protein (p.Met753Leu). RNA analysis indicates that this missense change induces altered splicing and may result in an absent or disrupted protein product.